The following is an entry in ClinVar:

ClinVar aggregate classification (germline): Likely benign (1 of 4 stars; one submission).

Conditions:
CNTNAP4-related disorder. Also called: CNTNAP4-related condition.

Allele frequency attached by ClinVar (database versions not stated): gnomAD exomes below 0.00001.
gnomAD v4.1: 1 of 1,613,914 alleles (0.000062%); highest among the groups gnomAD compares: South Asian, 0.0011%; no homozygotes.

Submission:

PreventionGenetics, part of Exact Sciences
Classification: Likely benign for CNTNAP4-related condition. Last evaluated: 2022-02-23. Review status: criteria provided, single submitter. Criteria: ACMG Guidelines, 2015. Collection method: clinical testing. Allele origin: germline.
Comment: This variant is classified as likely benign based on ACMG/AMP sequence variant interpretation guidelines (Richards et al. 2015 PMID: 25741868, with internal and published modifications).

NM_033401.5(CNTNAP4):c.1190A>G (p.Gln397Arg)

Gene: CNTNAP4 (contactin associated protein family member 4; plus strand). Cytogenetic location: 16q23.1.
Variant type: single nucleotide variant.
Coding change: c.1190A>G on transcript NM_033401.5 (MANE Select); coding-DNA position 1190, A replaced by G.
Protein change: p.Gln397Arg; replaces glutamine 397 with arginine.
Molecular consequence: missense variant. On other transcripts: 5 prime UTR variant (1), non-coding transcript variant (3).
Genome position (GRCh38, 1-based): chr16:76,452,626, A>G. VCF-style: chr16-76452626-A-G. GRCh37 (hg19) VCF-style: chr16-76486523-A-G.
Other names: c.1190A>G, p.Gln397Arg (NM_001322178.2, NM_001322179.2, NM_001322188.2); c.803A>G, p.Gln268Arg (NM_001322180.2); c.1187A>G, p.Gln396Arg (NM_001322181.2); c.-297A>G (NM_001322187.2); c.926A>G, p.Gln309Arg (NM_001322189.2); c.1046A>G, p.Gln349Arg (NM_001322190.2); c.263A>G, p.Gln88Arg (NM_001322191.2); c.971A>G, p.Gln324Arg (NM_138994.5); short protein forms Q268R, Q309R, Q324R, Q349R, Q396R, Q397R, Q88R.
Identifiers: ClinVar variation 3040025 (VCV003040025.1), dbSNP rs2509099059, ClinGen allele CA396805497.
Genomic context (GRCh38, chr16:76,452,626, plus strand): 5'-CCAGGAGTTATTTAGCACTGCCAGACTTCTCTGGAGAGGAGGAGGTTTCTGCCACTTTTC[A>G]ATTTCGAACTTGGAATAAGGCAGGGCTTCTGCTGTTCAGTGAACTTCAGCTGATTTCAGG-3'
Protein context (NP_207837.2, residues 387-407): SGEEEVSATF[Gln397Arg]FRTWNKAGLL